The following is an entry in ClinVar:

ClinVar aggregate classification (germline): Uncertain significance. Review status: criteria provided, multiple submitters, no conflicts (2 of 4 stars). 3 submissions from 3 submitters: Uncertain significance (3). Last evaluated 2025-12-31.

Conditions:
Hereditary cancer-predisposing syndrome. Also called: Neoplastic Syndromes, Hereditary; Hereditary neoplastic syndrome; Tumor predisposition; Hereditary Cancer Syndrome. Identifiers: Orphanet 140162, MedGen C0027672, MeSH D009386, MONDO:0015356.
Renal cell carcinoma. Identifiers: Orphanet 217071, MedGen C0007134, MeSH D002292, MONDO:0005086, HP:0005584.

Allele frequency attached by ClinVar (database versions not stated): gnomAD exomes below 0.00001; TOPMed below 0.00001.
gnomAD v4.1: 4 of 1,613,858 alleles (0.00025%); highest among the groups gnomAD compares: Non-Finnish European, 0.00025%; no homozygotes.

Submissions (3):

Labcorp Genetics (formerly Invitae), Labcorp
Classification: Uncertain significance for Renal cell carcinoma. Last evaluated: 2025-12-31. Review status: criteria provided, single submitter. Criteria: Invitae Variant Classification Sherloc (09022015). Collection method: clinical testing. Allele origin: germline.
Comment: This sequence change replaces alanine, which is neutral and non-polar, with threonine, which is neutral and polar, at codon 1207 of the MET protein (p.Ala1207Thr). This variant is present in population databases (no rsID available, gnomAD 0.0009%). This variant has not been reported in the literature in individuals affected with MET-related conditions. ClinVar contains an entry for this variant (Variation ID: 852742). Invitae Evidence Modeling of protein sequence and biophysical properties (such as structural, functional, and spatial information, amino acid conservation, physicochemical variation, residue mobility, and thermodynamic stability) indicates that this missense variant is expected to disrupt MET protein function with a positive predictive value of 80%. In summary, the available evidence is currently insufficient to determine the role of this variant in disease. Therefore, it has been classified as a Variant of Uncertain Significance.

Ambry Genetics
Classification: Uncertain significance for Hereditary cancer-predisposing syndrome. Last evaluated: 2025-09-17. Review status: criteria provided, single submitter. Criteria: Ambry Variant Classification Scheme 2023. Collection method: clinical testing. Allele origin: germline.
Comment: The p.A1207T variant (also known as c.3619G>A), located in coding exon 17 of the MET gene, results from a G to A substitution at nucleotide position 3619. The alanine at codon 1207 is replaced by threonine, an amino acid with similar properties. This amino acid position is highly conserved in available vertebrate species. In addition, this alteration is predicted to be deleterious by in silico analysis. Based on the available evidence, the clinical significance of this variant remains unclear.

GeneDx
Classification: Uncertain significance. Last evaluated: 2025-04-04. Review status: criteria provided, single submitter. Criteria: GeneDx Variant Classification Process June 2021. Collection method: clinical testing. Allele origin: germline.
Comment: Not observed at significant frequency in large population cohorts (gnomAD); In silico analysis supports that this missense variant has a deleterious effect on protein structure/function; Has not been previously published as pathogenic or benign to our knowledge; This variant is associated with the following publications: (PMID: 27899992)

NM_000245.4(MET):c.3565G>A (p.Ala1189Thr)

Gene: MET (MET proto-oncogene, receptor tyrosine kinase; plus strand). Cytogenetic location: 7q31.2.
Variant type: single nucleotide variant.
Coding change: c.3565G>A on transcript NM_000245.4 (MANE Select); coding-DNA position 3565, G replaced by A.
Protein change: p.Ala1189Thr; replaces alanine 1189 with threonine.
Molecular consequence: missense variant.
Genome position (GRCh38, 1-based): chr7:116,782,030, G>A. VCF-style: chr7-116782030-G-A. GRCh37 (hg19) VCF-style: chr7-116422084-G-A.
Other names: c.3619G>A, p.Ala1207Thr (NM_001127500.3); c.2275G>A, p.Ala759Thr (NM_001324402.2); short protein forms A759T, A1207T, A1189T.
Identifiers: ClinVar variation 852742 (VCV000852742.13), dbSNP rs1348453406, ClinGen allele CA368990998.